The following is an entry in ClinVar:

ClinVar aggregate classification (germline): Uncertain significance. Review status: criteria provided, multiple submitters, no conflicts (2 of 4 stars). 2 submissions from 2 submitters: Uncertain significance (2). Last evaluated 2024-07-01.

Conditions:
Inborn genetic diseases. Identifiers: MedGen C0950123, MeSH D030342.
Inflammatory bowel disease 28. Also called: Inflammatory bowel disease 28, early onset, autosomal recessive. Identifiers: Orphanet 238569, MedGen C2751053, MONDO:0013153, OMIM 613148.

Allele frequency attached by ClinVar (database versions not stated): gnomAD 0.00003 and 0.00004; gnomAD exomes 0.00005 and 0.00012; TOPMed 0.00005; ExAC 0.00011.
gnomAD v4.1: 81 of 1,614,216 alleles (0.005%); highest among the groups gnomAD compares: South Asian, 0.044%; no homozygotes.

Submissions (2):

Labcorp Genetics (formerly Invitae), Labcorp
Classification: Uncertain significance for Inflammatory bowel disease 28. Last evaluated: 2024-07-01. Review status: criteria provided, single submitter. Criteria: Invitae Variant Classification Sherloc (09022015). Collection method: clinical testing. Allele origin: germline.
Comment: This sequence change replaces arginine, which is basic and polar, with cysteine, which is neutral and slightly polar, at codon 172 of the IL10RA protein (p.Arg172Cys). This variant is present in population databases (rs773555674, gnomAD 0.06%). This variant has not been reported in the literature in individuals affected with IL10RA-related conditions. ClinVar contains an entry for this variant (Variation ID: 640297). Advanced modeling of protein sequence and biophysical properties (such as structural, functional, and spatial information, amino acid conservation, physicochemical variation, residue mobility, and thermodynamic stability) performed at Invitae indicates that this missense variant is expected to disrupt IL10RA protein function with a positive predictive value of 80%. In summary, the available evidence is currently insufficient to determine the role of this variant in disease. Therefore, it has been classified as a Variant of Uncertain Significance.

Ambry Genetics
Classification: Uncertain significance for Inborn genetic diseases. Last evaluated: 2021-08-10. Review status: criteria provided, single submitter. Criteria: Ambry Variant Classification Scheme 2023. Collection method: clinical testing. Allele origin: germline.

NM_001558.4(IL10RA):c.514C>T (p.Arg172Cys)

Gene: IL10RA (interleukin 10 receptor subunit alpha; plus strand). Cytogenetic location: 11q23.3.
Variant type: single nucleotide variant.
Coding change: c.514C>T on transcript NM_001558.4 (MANE Select); coding-DNA position 514, C replaced by T.
Protein change: p.Arg172Cys; replaces arginine 172 with cysteine.
Molecular consequence: missense variant. On other transcripts: non-coding transcript variant (1).
Genome position (GRCh38, 1-based): chr11:117,993,387, C>T. VCF-style: chr11-117993387-C-T. GRCh37 (hg19) VCF-style: chr11-117864102-C-T.
Other names: short protein forms R172C.
Identifiers: ClinVar variation 640297 (VCV000640297.8), dbSNP rs773555674, ClinGen allele CA6298960.